The following is an entry in ClinVar:

ClinVar aggregate classification (germline): Uncertain significance. Review status: criteria provided, multiple submitters, no conflicts (2 of 4 stars). 2 submissions from 2 submitters: Uncertain significance (2). Last evaluated 2026-05-10.

Conditions:
PKD1-related disorder. Also called: PKD1-related condition.
Inborn genetic diseases. Identifiers: MedGen C0950123, MeSH D030342.

Allele frequency attached by ClinVar (database versions not stated): gnomAD 0.00001; gnomAD exomes 0.00001; TOPMed 0.00001; ExAC 0.00004.
gnomAD v4.1: 17 of 1,591,386 alleles (0.0011%); highest among the groups gnomAD compares: Middle Eastern, 0.023%; no homozygotes.

Submissions (2):

PreventionGenetics, part of Exact Sciences
Classification: Uncertain significance for PKD1-related condition. Last evaluated: 2026-05-10. Review status: criteria provided, single submitter. Criteria: ACMG Guidelines, 2015. Collection method: clinical testing. Allele origin: germline.
Comment: The PKD1 c.1933C>T variant is predicted to result in the amino acid substitution p.Arg645Cys. To our knowledge, this variant has not been reported in the literature. This variant is reported in 0.0068% of alleles in individuals of East Asian descent in gnomAD. At this time, the clinical significance of this variant is uncertain due to the absence of conclusive functional and genetic evidence.

Ambry Genetics
Classification: Uncertain significance for Inborn genetic diseases. Last evaluated: 2024-02-06. Review status: criteria provided, single submitter. Criteria: Ambry Variant Classification Scheme 2023. Collection method: clinical testing. Allele origin: germline.

NM_001009944.3(PKD1):c.1933C>T (p.Arg645Cys)

Gene: PKD1 (polycystin 1, transient receptor potential channel interacting; minus strand). Cytogenetic location: 16p13.3.
Variant type: single nucleotide variant.
Coding change: c.1933C>T on transcript NM_001009944.3 (MANE Select); coding-DNA position 1933, C replaced by T.
Protein change: p.Arg645Cys; replaces arginine 645 with cysteine.
Molecular consequence: missense variant.
Genome position (GRCh38, 1-based): chr16:2,115,542, G>A on the plus strand (C>T on the coding strand, the complement: PKD1 is on the minus strand). VCF-style: chr16-2115542-G-A. GRCh37 (hg19) VCF-style: chr16-2165543-G-A.
Other names: c.1933C>T, p.Arg645Cys (NM_000296.4); short protein forms R645C.
Identifiers: ClinVar variation 3213447 (VCV003213447.2), dbSNP rs749034769, ClinGen allele CA7833345.